The following is an entry in ClinVar:

NM_002074.5(GNB1):c.229G>A (p.Gly77Ser)

Gene: GNB1 (G protein subunit beta 1; minus strand). Cytogenetic location: 1p36.33.
Variant type: single nucleotide variant.
Coding change: c.229G>A on transcript NM_002074.5 (MANE Select); coding-DNA position 229, G replaced by A.
Protein change: p.Gly77Ser; replaces glycine 77 with serine.
Molecular consequence: missense variant. On other transcripts: 5 prime UTR variant (1).
Genome position (GRCh38, 1-based): chr1:1,806,513, C>T on the plus strand (G>A on the coding strand, the complement: GNB1 is on the minus strand). VCF-style: chr1-1806513-C-T. GRCh37 (hg19) VCF-style: chr1-1737952-C-T.
Other names: c.-72G>A (NM_001282538.2); c.229G>A, p.Gly77Ser (NM_001282539.2); short protein forms G77S.
Identifiers: ClinVar variation 224713 (VCV000224713.54), dbSNP rs758432471, ClinGen allele CA351379.

ClinVar aggregate classification (germline): Pathogenic/Likely pathogenic. Review status: criteria provided, multiple submitters, no conflicts (2 of 4 stars). 11 submissions from 10 submitters: Pathogenic (5); Likely pathogenic (3). 3 of the submissions do not count toward it. Last evaluated 2025-04-07.

Conditions:
Intellectual developmental disorder, autosomal dominant 42. Also called: GNB1 Encephalopathy; Intellectual disability, autosomal dominant 42; Global developmental delay-neuro-ophthalmological abnormalities-seizures-intellectual disability syndrome. Identifiers: Orphanet 488613, MedGen C4310774, MONDO:0014855, OMIM 616973.
GNB1-related disorder. Also called: GNB1-related condition.
Inborn genetic diseases. Identifiers: MedGen C0950123, MeSH D030342.
Autism spectrum disorder. Also called: Autism spectrum disorders. Identifiers: MedGen C1510586, MeSH D000067877, MONDO:0005258.
Hypotonia. Also called: poor muscle tone; Muscular hypotonia. Identifiers: MedGen C0026827, HP:0001252.
Global developmental delay (DD). Also called: Cognitive delay. Identifiers: MedGen C0557874, HP:0001263. Disease mechanism: loss of function.
Neurodevelopmental Disability.
Seizure. Also called: Seizures. Identifiers: MedGen C0036572, HP:0001250.

Allele frequency attached by ClinVar (database versions not stated): TOPMed below 0.00001; ExAC 0.00001; gnomAD 0.00001.

Submissions (11):

Medgenome Labs Ltd
Classification: Pathogenic for Intellectual developmental disorder, autosomal dominant 42. Last evaluated: 2025-04-07. Review status: criteria provided, single submitter. Criteria: ACMG Guidelines, 2015. Collection method: clinical testing. Allele origin: de novo. Affected: yes.

PreventionGenetics, part of Exact Sciences
Classification: Likely pathogenic for GNB1-related condition. Last evaluated: 2025-02-12. Review status: criteria provided, single submitter. Criteria: ACMG Guidelines, 2015. Collection method: clinical testing. Allele origin: germline.
Comment: The GNB1 c.229G>A variant is predicted to result in the amino acid substitution p.Gly77Ser. This variant has been reported de novo in individuals with hypotonia and neurodevelopmental delay or autism spectrum disorder (Petrovski et al. 2016. PubMed ID: 27108799; Guo et al. 2019. PubMed ID: 30504930; Table S1, Kaplanis et al. 2020. PubMed ID: 33057194). Other missense variants affecting the same amino acid (p.Gly77Arg, p.Gly77Asp, p.Gly77Val) have also been reported as de novo variants in individuals with neurodevelopmental disorders (Hemati et al. 2018. PubMed ID: 30194818; Table S1, Halfmeyer et al. 2022. PubMed ID: 36672771; Szczałuba et al. 2017. PubMed ID: 29174093). This variant has not been reported in a large population database (gnomAD), indicating this variant is rare. This variant is interpreted as likely pathogenic.

Institute of Human Genetics Munich, TUM University Hospital
Classification: Pathogenic for Intellectual developmental disorder, autosomal dominant 42. Last evaluated: 2023-05-23. Review status: criteria provided, single submitter. Criteria: Classification criteria August 2017. Collection method: clinical testing. Allele origin: de novo. Inheritance: Autosomal dominant inheritance. Affected: yes. Observed: 1 variant allele.

MGZ Medical Genetics Center
Classification: Likely pathogenic for Intellectual developmental disorder, autosomal dominant 42. Last evaluated: 2022-07-01. Review status: criteria provided, single submitter. Criteria: ACMG Guidelines, 2015. Collection method: clinical testing. Allele origin: germline. Affected: yes. Observed: 1 variant allele.
Comment: ACMG criteria applied: PM1, PM5, PM6, PM2_SUP, PP2

Labcorp Genetics (formerly Invitae), Labcorp
Classification: Pathogenic. Last evaluated: 2022-01-27. Review status: criteria provided, single submitter. Criteria: Invitae Variant Classification Sherloc (09022015). Collection method: clinical testing. Allele origin: germline.
Comment: This variant disrupts the p.Gly77 amino acid residue in GNB1. Other variant(s) that disrupt this residue have been determined to be pathogenic (PMID: 27759915). This suggests that this residue is clinically significant, and that variants that disrupt this residue are likely to be disease-causing. For these reasons, this variant has been classified as Pathogenic. Algorithms developed to predict the effect of missense changes on protein structure and function (SIFT, PolyPhen-2, Align-GVGD) all suggest that this variant is likely to be disruptive. This sequence change replaces glycine, which is neutral and non-polar, with serine, which is neutral and polar, at codon 77 of the GNB1 protein (p.Gly77Ser). This variant is not present in population databases (gnomAD no frequency). This missense change has been observed in individual(s) with GNB1-related neurodevelopmental delay and hypotonia (PMID: 27108799; Invitae). In at least one individual the variant was observed to be de novo. ClinVar contains an entry for this variant (Variation ID: 224713).

GeneDx
Classification: Pathogenic. Last evaluated: 2022-01-07. Review status: criteria provided, single submitter. Criteria: GeneDx Variant Classification Process June 2021. Collection method: clinical testing. Allele origin: germline. Affected: yes.
Comment: Not observed at significant frequency in large population cohorts (gnomAD); In silico analysis supports that this missense variant has a deleterious effect on protein structure/function; This variant is associated with the following publications: (PMID: 27108799, 27759915, 29174093, 30504930)

CeGaT Center for Human Genetics Tuebingen
Classification: Pathogenic. Last evaluated: 2021-05-01. Review status: criteria provided, single submitter. Criteria: CeGaT Center For Human Genetics Tuebingen Variant Classification Criteria Version 2. Collection method: clinical testing. Allele origin: germline. Affected: yes. Observed: 1 variant allele.

Ambry Genetics
Classification: Likely pathogenic for Inborn genetic diseases. Last evaluated: 2017-04-04. Review status: criteria provided, single submitter. Criteria: Ambry exome assertion method (8-5-2015). Collection method: clinical testing. Allele origin: germline. Affected: yes. Observed: 1 variant allele.

University of Washington Center for Mendelian Genomics, University of Washington
Classification: Likely pathogenic for Neurodevelopmental Disability; Hypotonia; Seizures. Last evaluated: 2016-05-05. Review status: no assertion criteria provided. Collection method: research. Allele origin: unknown. Affected: yes. Observed: 1 heterozygote. Not counted in ClinVar's aggregate classification.

Genomics And Bioinformatics Analysis Resource, Columbia University
Classification: Pathogenic for Global developmental delay; Hypotonia. Last evaluated: 2016-02-10. Review status: no assertion criteria provided. Collection method: research. Allele origin: de novo. Affected: yes. Observed: 1 variant allele. Not counted in ClinVar's aggregate classification.

University of Washington Center for Mendelian Genomics, University of Washington
Classification: Likely pathogenic for Autism spectrum disorder. Review status: no assertion criteria provided. Collection method: research. Allele origin: de novo. Affected: yes. Not counted in ClinVar's aggregate classification.

Literature cited by the submitters: PubMed 27759915 (cited by Labcorp Genetics (formerly Invitae), Labcorp); PubMed 27108799 (cited by 3 submitters); PubMed 9596582 (cited by Ambry Genetics); PubMed 30504930 (cited by University of Washington Center for Mendelian Genomics, University of Washington).